The following is an entry in ClinVar:

NM_017649.5(CNNM2):c.2255G>A (p.Arg752His)

Gene: CNNM2 (cyclin and CBS domain divalent metal cation transport mediator 2; plus strand). Cytogenetic location: 10q24.32.
Variant type: single nucleotide variant.
Coding change: c.2255G>A on transcript NM_017649.5 (MANE Select); coding-DNA position 2255, G replaced by A.
Protein change: p.Arg752His; replaces arginine 752 with histidine.
Molecular consequence: missense variant.
Genome position (GRCh38, 1-based): chr10:103,076,107, G>A. VCF-style: chr10-103076107-G-A. GRCh37 (hg19) VCF-style: chr10-104835864-G-A.
Other names: c.2189G>A, p.Arg730His (NM_199076.3); short protein forms R730H, R752H.
Identifiers: ClinVar variation 1384783 (VCV001384783.7), dbSNP rs770187293, ClinGen allele CA5670581.

ClinVar aggregate classification (germline): Uncertain significance. Review status: criteria provided, multiple submitters, no conflicts (2 of 4 stars). 2 submissions from 2 submitters: Uncertain significance (2). Last evaluated 2026-06-07.

Allele frequency attached by ClinVar (database versions not stated): TOPMed below 0.00001; ExAC 0.00001; gnomAD 0.00001 and 0.00002; gnomAD exomes 0.00001.
gnomAD v4.1: 12 of 1,611,308 alleles (0.00074%); highest among the groups gnomAD compares: East Asian, 0.0045%; no homozygotes.

Submissions (2):

Revvity Omics, Revvity
Classification: Uncertain significance. Last evaluated: 2026-06-07. Review status: criteria provided, single submitter. Criteria: ACMG Guidelines, 2015. Collection method: clinical testing. Allele origin: germline.

Labcorp Genetics (formerly Invitae), Labcorp
Classification: Uncertain significance. Last evaluated: 2023-08-17. Review status: criteria provided, single submitter. Criteria: Invitae Variant Classification Sherloc (09022015). Collection method: clinical testing. Allele origin: germline.
Comment: In summary, the available evidence is currently insufficient to determine the role of this variant in disease. Therefore, it has been classified as a Variant of Uncertain Significance. An algorithm developed to predict the effect of missense changes on protein structure and function (PolyPhen-2) suggests that this variant is likely to be tolerated. ClinVar contains an entry for this variant (Variation ID: 1384783). This variant has not been reported in the literature in individuals affected with CNNM2-related conditions. This variant is present in population databases (rs770187293, gnomAD 0.003%). This sequence change replaces arginine, which is basic and polar, with histidine, which is basic and polar, at codon 752 of the CNNM2 protein (p.Arg752His).